The following is an entry in ClinVar:

NM_000179.3(MSH6):c.1962G>A (p.Met654Ile)

Gene: MSH6 (mutS homolog 6; plus strand). Cytogenetic location: 2p16.3.
Variant type: single nucleotide variant.
Coding change: c.1962G>A on transcript NM_000179.3 (MANE Select); coding-DNA position 1962, G replaced by A.
Protein change: p.Met654Ile; replaces methionine 654 with isoleucine.
Molecular consequence: missense variant.
Genome position (GRCh38, 1-based): chr2:47,799,945, G>A. VCF-style: chr2-47799945-G-A. GRCh37 (hg19) VCF-style: chr2-48027084-G-A.
Other names: c.1572G>A, p.Met524Ile (NM_001281492.2); c.1056G>A, p.Met352Ile (NM_001281493.2, NM_001281494.2); c.1962G>A (NM_000179.2); short protein forms M352I, M524I, M654I.
Identifiers: ClinVar variation 1023446 (VCV001023446.13), dbSNP rs148592158, ClinGen allele CA068329.
Genomic context (GRCh38, chr2:47,799,945, plus strand): 5'-GAGAACTCTCCTTGAGGAAGAATATTTTAGGGAAAAGCTAAGTGATGGCATTGGGGTGAT[G>A]TTACCCCAGGTGCTTAAAGGTATGACTTCAGAGTCTGATTCCATTGGGTTGACACCAGGA-3'
Protein context (NP_000170.1, residues 644-664): REKLSDGIGV[Met654Ile]LPQVLKGMTS

ClinVar aggregate classification (germline): Conflicting classifications of pathogenicity. Review status: criteria provided, conflicting classifications (1 of 4 stars). 4 submissions from 4 submitters: Uncertain significance (2); Benign (1); Likely benign (1). Last evaluated 2026-08-24.

Conditions:
Hereditary cancer-predisposing syndrome. Also called: Tumor predisposition; Hereditary Cancer Syndrome; Hereditary neoplastic syndrome; Neoplastic Syndromes, Hereditary. Identifiers: Orphanet 140162, MedGen C0027672, MeSH D009386, MONDO:0015356.
Hereditary nonpolyposis colorectal neoplasms. Identifiers: MedGen C0009405, MeSH D003123.

Allele frequency attached by ClinVar (database versions not stated): TOPMed below 0.00001; ExAC 0.00001; gnomAD exomes below 0.00001; gnomAD 0.00001; ESP Exome Variant Server 0.00008.
gnomAD v4.1: 1 of 1,613,990 alleles (0.000062%); highest among the groups gnomAD compares: African/African-American, 0.0013%; no homozygotes.

Submissions (4):

Ambry Genetics
Classification: Likely benign for Hereditary cancer-predisposing syndrome. Last evaluated: 2026-08-24. Review status: criteria provided, single submitter. Criteria: Ambry Variant Classification Scheme 2023. Collection method: clinical testing. Allele origin: germline.

Quest Diagnostics Nichols Institute San Juan Capistrano
Classification: Uncertain significance. Last evaluated: 2025-05-27. Review status: criteria provided, single submitter. Criteria: Quest Diagnostics criteria. Collection method: clinical testing. Allele origin: unknown.
Comment: The MSH6 c.1962G>A (p.Met654Ile) variant has not been reported in individuals with MSH6-related conditions in the published literature. The frequency of this variant in the general population (Genome Aggregation Database) is uninformative in the assessment of its pathogenicity. Analysis of this variant using bioinformatics tools for the prediction of the effect of amino acid changes on protein structure and function yielded predictions that this variant is benign. Based on the available information, we are unable to determine the clinical significance of this variant.

GeneDx
Classification: Uncertain significance. Last evaluated: 2023-07-15. Review status: criteria provided, single submitter. Criteria: GeneDx Variant Classification Process June 2021. Collection method: clinical testing. Allele origin: germline. Affected: yes.
Comment: Not observed at significant frequency in large population cohorts (gnomAD); In silico analysis supports that this missense variant does not alter protein structure/function; Has not been previously published as pathogenic or benign to our knowledge; This variant is associated with the following publications: (PMID: 17531815, 21120944)

Labcorp Genetics (formerly Invitae), Labcorp
Classification: Benign for Hereditary nonpolyposis colorectal neoplasms. Last evaluated: 2023-04-05. Review status: criteria provided, single submitter. Criteria: Invitae Variant Classification Sherloc (09022015). Collection method: clinical testing. Allele origin: germline.